The following is an entry in ClinVar:

NM_001848.3(COL6A1):c.348C>T (p.Ser116=)

Gene: COL6A1 (collagen type VI alpha 1 chain; plus strand). Cytogenetic location: 21q22.3.
Variant type: single nucleotide variant.
Coding change: c.348C>T on transcript NM_001848.3 (MANE Select); coding-DNA position 348, C replaced by T.
Protein change: p.Ser116=; no amino-acid change (serine 116 retained).
Molecular consequence: synonymous variant.
Genome position (GRCh38, 1-based): chr21:45,984,389, C>T. VCF-style: chr21-45984389-C-T. GRCh37 (hg19) VCF-style: chr21-47404303-C-T.
Identifiers: ClinVar variation 285671 (VCV000285671.38), dbSNP rs189444981, ClinGen allele CA10069541.
Genomic context (GRCh38, chr21:45,984,389, plus strand): 5'-GGTGGAGATCATCCAAGGCCTCACGCGCATGCCTGGCGGCCGCGACGCACTCAAAAGCAG[C>T]GTGGACGCGGTCAAGTACTTTGGGAAGGGCACCTACACCGACTGCGCTATCAAGAAGGGG-3'
Protein context (NP_001839.2, residues 106-126): MPGGRDALKS[Ser116=]VDAVKYFGKG

ClinVar aggregate classification (germline): Conflicting classifications of pathogenicity. Review status: criteria provided, conflicting classifications (1 of 4 stars). 5 submissions from 5 submitters: Uncertain significance (1); Likely benign (4). Last evaluated 2025-12-02.

Conditions:
Bethlem myopathy 1A. Also called: Bethlem myopathy 1; Bethlem Muscular Dystrophy; MYOPATHY, BENIGN CONGENITAL, WITH CONTRACTURES. Identifiers: Orphanet 610, MedGen CN029274, MONDO:0024530, OMIM 158810.

Allele frequency attached by ClinVar (database versions not stated): gnomAD exomes 0.00002; ExAC 0.00003; gnomAD 0.00014; TOPMed 0.00023; 1000 Genomes Project 0.00040; 1000 Genomes Project 30x 0.00047.
gnomAD v4.1: 44 of 1,612,748 alleles (0.0027%); highest among the groups gnomAD compares: Admixed American, 0.045%; no homozygotes.

Submissions (5):

Labcorp Genetics (formerly Invitae), Labcorp
Classification: Likely benign for Bethlem myopathy 1A. Last evaluated: 2025-12-02. Review status: criteria provided, single submitter. Criteria: Invitae Variant Classification Sherloc (09022015). Collection method: clinical testing. Allele origin: germline.

Blueprint Genetics
Classification: Likely benign. Last evaluated: 2024-11-21. Review status: criteria provided, single submitter. Criteria: ACMG Guidelines, 2015. Collection method: clinical testing. Allele origin: germline.

CeGaT Center for Human Genetics Tuebingen
Classification: Likely benign. Last evaluated: 2023-02-01. Review status: criteria provided, single submitter. Criteria: CeGaT Center For Human Genetics Tuebingen Variant Classification Criteria Version 2. Collection method: clinical testing. Allele origin: germline. Affected: yes. Observed: 1 variant allele.
Comment: COL6A1: BP4, BP7

GeneDx
Classification: Likely benign. Last evaluated: 2018-02-27. Review status: criteria provided, single submitter. Criteria: GeneDx Variant Classification (06012015). Collection method: clinical testing. Allele origin: germline. Affected: yes.
Comment: This variant is considered likely benign or benign based on one or more of the following criteria: it is a conservative change, it occurs at a poorly conserved position in the protein, it is predicted to be benign by multiple in silico algorithms, and/or has population frequency not consistent with disease.

Eurofins Ntd Llc (ga)
Classification: Uncertain significance. Last evaluated: 2016-01-21. Review status: criteria provided, single submitter. Criteria: EGL Classification Definitions 2015. Collection method: clinical testing. Allele origin: germline. Observed: 1 variant allele, 1 heterozygote.